The following is an entry in ClinVar:

NM_001378452.1(ITPR1):c.6357G>C (p.Arg2119Ser)

Gene: ITPR1 (inositol 1,4,5-trisphosphate receptor type 1; plus strand). Cytogenetic location: 3p26.1.
Variant type: single nucleotide variant.
Coding change: c.6357G>C on transcript NM_001378452.1 (MANE Select); coding-DNA position 6357, G replaced by C.
Protein change: p.Arg2119Ser; replaces arginine 2119 with serine.
Molecular consequence: missense variant.
Genome position (GRCh38, 1-based): chr3:4,779,615, G>C. VCF-style: chr3-4779615-G-C. GRCh37 (hg19) VCF-style: chr3-4821299-G-C.
Other names: c.6213G>C, p.Arg2071Ser (NM_001099952.4); c.6312G>C, p.Arg2104Ser (NM_001168272.2); c.6168G>C, p.Arg2056Ser (NM_002222.7); short protein forms R2056S, R2104S, R2071S, R2119S.
Identifiers: ClinVar variation 2762842 (VCV002762842.3), dbSNP rs866101407, ClinGen allele CA351638389.

ClinVar aggregate classification (germline): Uncertain significance (1 of 4 stars; one submission).

Submission:

Labcorp Genetics (formerly Invitae), Labcorp
Classification: Uncertain significance. Last evaluated: 2023-09-24. Review status: criteria provided, single submitter. Criteria: Invitae Variant Classification Sherloc (09022015). Collection method: clinical testing. Allele origin: germline.
Comment: This sequence change replaces arginine, which is basic and polar, with serine, which is neutral and polar, at codon 2056 of the ITPR1 protein (p.Arg2056Ser). This variant is not present in population databases (gnomAD no frequency). In summary, the available evidence is currently insufficient to determine the role of this variant in disease. Therefore, it has been classified as a Variant of Uncertain Significance. Advanced modeling of protein sequence and biophysical properties (such as structural, functional, and spatial information, amino acid conservation, physicochemical variation, residue mobility, and thermodynamic stability) has been performed at Invitae for this missense variant, however the output from this modeling did not meet the statistical confidence thresholds required to predict the impact of this variant on ITPR1 protein function. This variant has not been reported in the literature in individuals affected with ITPR1-related conditions.